The following is an entry in ClinVar:

NM_021072.4(HCN1):c.2062C>A (p.Pro688Thr)

Gene: HCN1 (hyperpolarization activated cyclic nucleotide gated potassium channel 1; minus strand). Cytogenetic location: 5p12.
Variant type: single nucleotide variant.
Coding change: c.2062C>A on transcript NM_021072.4 (MANE Select); coding-DNA position 2062, C replaced by A.
Protein change: p.Pro688Thr; replaces proline 688 with threonine.
Molecular consequence: missense variant.
Genome position (GRCh38, 1-based): chr5:45,262,532, G>T on the plus strand (C>A on the coding strand, the complement: HCN1 is on the minus strand). VCF-style: chr5-45262532-G-T. GRCh37 (hg19) VCF-style: chr5-45262634-G-T.
Other names: short protein forms P688T.
Identifiers: ClinVar variation 1490217 (VCV001490217.9), dbSNP rs779436110, ClinGen allele CA359704132.

ClinVar aggregate classification (germline): Uncertain significance (1 of 4 stars; one submission).

Conditions:
Early-infantile DEE. Also called: Ohtahara syndrome; Early infantile epileptic encephalopathy; Early infantile epileptic encephalopathy with suppression bursts. Identifiers: Orphanet 1934, MedGen C0393706, MONDO:0800491.

Submission:

Labcorp Genetics (formerly Invitae), Labcorp
Classification: Uncertain significance for Early-infantile DEE. Last evaluated: 2021-02-18. Review status: criteria provided, single submitter. Criteria: Invitae Variant Classification Sherloc (09022015). Collection method: clinical testing. Allele origin: germline.
Comment: In summary, the available evidence is currently insufficient to determine the role of this variant in disease. Therefore, it has been classified as a Variant of Uncertain Significance. Advanced modeling of protein sequence and biophysical properties (such as structural, functional, and spatial information, amino acid conservation, physicochemical variation, residue mobility, and thermodynamic stability) performed at Invitae indicates that this missense variant is not expected to disrupt HCN1 protein function. This variant has not been reported in the literature in individuals with HCN1-related conditions. This variant is not present in population databases (ExAC no frequency). This sequence change replaces proline with threonine at codon 688 of the HCN1 protein (p.Pro688Thr). The proline residue is highly conserved and there is a small physicochemical difference between proline and threonine.